The following is an entry in ClinVar:

ClinVar aggregate classification (germline): Uncertain significance (0 of 4 stars; one submission).

Conditions:
ITSN1-related disorder. Also called: ITSN1-related condition.

Submission:

PreventionGenetics, part of Exact Sciences
Classification: Uncertain significance for ITSN1-related condition. Last evaluated: 2023-11-30. Review status: no assertion criteria provided. Collection method: clinical testing. Allele origin: germline.
Comment: The ITSN1 c.4510G>A variant is predicted to result in the amino acid substitution p.Val1504Ile. To our knowledge, this variant has not been reported in the literature or in a large population database, indicating this variant is rare. At this time, the clinical significance of this variant is uncertain due to the absence of conclusive functional and genetic evidence.

NM_003024.3(ITSN1):c.4510G>A (p.Val1504Ile)

Gene: ITSN1 (intersectin 1; plus strand). Cytogenetic location: 21q22.11.
Variant type: single nucleotide variant.
Coding change: c.4510G>A on transcript NM_003024.3 (MANE Select); coding-DNA position 4510, G replaced by A.
Protein change: p.Val1504Ile; replaces valine 1504 with isoleucine.
Molecular consequence: missense variant.
Genome position (GRCh38, 1-based): chr21:33,882,411, G>A. VCF-style: chr21-33882411-G-A. GRCh37 (hg19) VCF-style: chr21-35254715-G-A.
Other names: c.4495G>A, p.Val1499Ile (NM_001331010.2); short protein forms V1499I, V1504I.
Identifiers: ClinVar variation 3030431 (VCV003030431.2), dbSNP rs2518662747, ClinGen allele CA410154996.
Genomic context (GRCh38, chr21:33,882,411, plus strand): 5'-AACGACTTCCTCCTGCTGACTCAGATCACGAAGCCTTTGGGGTCTTCTGGCACCGACAAA[G>A]TCTTCAGCCCCAAATCAAACCTGCAGTATAAAATGTATAAAACAGTAAGTTGGATTCTAG-3'
Protein context (NP_003015.2, residues 1494-1514): KPLGSSGTDK[Val1504Ile]FSPKSNLQYK